The following is an entry in ClinVar:

ClinVar aggregate classification (germline): Uncertain significance (1 of 4 stars; one submission).

Conditions:
Galactosylceramide beta-galactosidase deficiency. Also called: Leukodystrophy, Globoid Cell; GALACTOCEREBROSIDASE DEFICIENCY; GALC DEFICIENCY; GLOBOID CELL LEUKOENCEPHALOPATHY; Krabbe Disease. Identifiers: Orphanet 487, MedGen C0023521, MONDO:0009499, OMIM 245200.

Allele frequency attached by ClinVar (database versions not stated): TOPMed below 0.00001; gnomAD exomes 0.00002; ExAC 0.00006.
gnomAD v4.1: 31 of 1,602,302 alleles (0.0019%); highest among the groups gnomAD compares: South Asian, 0.034%; no homozygotes.

Submission:

Labcorp Genetics (formerly Invitae), Labcorp
Classification: Uncertain significance for Galactosylceramide beta-galactosidase deficiency. Last evaluated: 2022-01-07. Review status: criteria provided, single submitter. Criteria: Invitae Variant Classification Sherloc (09022015). Collection method: clinical testing. Allele origin: germline.
Comment: This sequence change replaces threonine, which is neutral and polar, with asparagine, which is neutral and polar, at codon 635 of the GALC protein (p.Thr635Asn). This variant is present in population databases (rs771706640, gnomAD 0.05%). This variant has not been reported in the literature in individuals affected with GALC-related conditions. Advanced modeling of protein sequence and biophysical properties (such as structural, functional, and spatial information, amino acid conservation, physicochemical variation, residue mobility, and thermodynamic stability) performed at Invitae indicates that this missense variant is not expected to disrupt GALC protein function. In summary, the available evidence is currently insufficient to determine the role of this variant in disease. Therefore, it has been classified as a Variant of Uncertain Significance.

NM_000153.4(GALC):c.1904C>A (p.Thr635Asn)

Gene: GALC (galactosylceramidase; minus strand). Cytogenetic location: 14q31.3.
Variant type: single nucleotide variant.
Coding change: c.1904C>A on transcript NM_000153.4 (MANE Select); coding-DNA position 1904, C replaced by A.
Protein change: p.Thr635Asn; replaces threonine 635 with asparagine.
Molecular consequence: missense variant.
Genome position (GRCh38, 1-based): chr14:87,939,912, G>T on the plus strand (C>A on the coding strand, the complement: GALC is on the minus strand). VCF-style: chr14-87939912-G-T. GRCh37 (hg19) VCF-style: chr14-88406256-G-T.
Other names: c.1835C>A, p.Thr612Asn (NM_001201401.2); c.1826C>A, p.Thr609Asn (NM_001201402.2); short protein forms T612N, T609N, T635N.
Identifiers: ClinVar variation 2186890 (VCV002186890.1), dbSNP rs771706640, ClinGen allele CA7296876.